The following is an entry in ClinVar:

NM_006715.4(MAN2C1):c.2733_2734del (p.His911fs)

Genes: MAN2C1 (mannosidase alpha class 2C member 1; minus strand), NEIL1 (nei like DNA glycosylase 1; plus strand). Cytogenetic location: 15q24.2.
Variant type: Microsatellite.
Coding change: c.2733_2734del on transcript NM_006715.4 (MANE Select); coding-DNA positions 2733 to 2734, 2 bases deleted (CA; older notation c.2733_2734delCA).
Protein change: p.His911fs; shifts the reading frame from histidine 911.
Molecular consequence: frameshift variant. On other transcripts: 3 prime UTR variant (2), non-coding transcript variant (1).
Genome position (GRCh38, 1-based): chr15:75,356,609-75,356,610, TG deleted on the plus strand (CA on the coding strand, the reverse complement: MAN2C1 is on the minus strand); deleting any 2 consecutive bases within chr15:75,356,609-75,356,612 gives the same sequence; the c. name uses the placement nearest the transcript's 3' end. VCF-style (leftmost placement, unchanged base first): chr15-75356608-TTG-T. GRCh37 (hg19) VCF-style: chr15-75648949-TTG-T.
Other names: c.2733_2734delCA (NM_006715.3, NM_006715.4); c.2784_2785del, p.His928fs (NM_001256494.2); c.2733_2734del, p.His911fs (NM_001256495.2); c.2436_2437del, p.His812fs (NM_001256496.2); c.*1575TG[1] (NM_001352520.2, NM_024608.4); short protein forms H812fs, H911fs, H928fs.
Identifiers: ClinVar variation 1342929 (VCV001342929.5), dbSNP rs763231900, ClinGen allele CA7666083.

ClinVar aggregate classification (germline): Likely pathogenic. Review status: criteria provided, multiple submitters, no conflicts (2 of 4 stars). 3 submissions from 3 submitters: Likely pathogenic (2). 1 of the submissions does not count toward it. Last evaluated 2025-07-23.

Conditions:
Congenital disorder of deglycosylation 2 (CDDG2). Identifiers: MedGen C5676931, MONDO:0030770, OMIM 619775.

Submissions (3):

First Genomix Gene Laboratory, Genetic Diagnostics Department
Classification: Likely pathogenic for Congenital disorder of deglycosylation 2. Last evaluated: 2025-07-23. Review status: criteria provided, single submitter. Criteria: ACMG Guidelines, 2015. Collection method: clinical testing. Allele origin: germline. Inheritance: Autosomal recessive inheritance. Affected: no. Observed: 1 variant allele.

Victorian Clinical Genetics Services, Murdoch Childrens Research Institute
Classification: Likely pathogenic for Congenital disorder of deglycosylation 2. Last evaluated: 2022-06-24. Review status: criteria provided, single submitter. Criteria: ACMG Guidelines, 2015. Collection method: clinical testing. Allele origin: germline. Inheritance: Autosomal recessive inheritance.
Comment: Based on the classification scheme VCGS_Germline_v1.3.4, this variant is classified as Likely pathogenic. Following criteria are met: 0102 - Loss of function is a known mechanism of disease in this gene and is associated with Congenital disorder of deglycosylation 2 (MIM#619775). (I) 0106 - This gene is associated with autosomal recessive disease. (I) 0201 - Variant is predicted to cause nonsense-mediated decay (NMD) and loss of protein (premature termination codon is located at least 54 nucleotides upstream of the final exon-exon junction). (SP) 0251 - This variant is heterozygous. (I) 0302 - Variant is present in gnomAD (v2) <0.001 for a dominant condition (27 heterozygotes, 0 homozygotes). (SP) 0704 - Another NMD-predicted variant comparable to the one identified in this case has limited previous evidence for pathogenicity. c.601-2A>G p.(Gly201Profs*10) has been reported compound heterozygous in 2 unrelated families with congenital disorder of deglycosylation 2 (MIM#619775) .(SP) 0803 - This variant has limited previous evidence of pathogenicity. It has been reported in two related fetuses with corpus callosum anomalies, hamartomas, hypoplasia of the cerebellum and vermis (PMID:3504534). (SP) 1007 - No published functional evidence has been identified for this variant. (I) Legend: (SP) - Supporting pathogenic, (I) - Information, (SB) - Supporting benign

OMIM
Classification: Pathogenic for CONGENITAL DISORDER OF DEGLYCOSYLATION 2. Last evaluated: 2022-03-09. Review status: no assertion criteria provided. Collection method: literature only. Allele origin: germline. Not counted in ClinVar's aggregate classification.

Literature cited by the submitters: PubMed 35045343 (cited by Victorian Clinical Genetics Services, Murdoch Childrens Research Institute and OMIM); PubMed 3504534 (cited by Victorian Clinical Genetics Services, Murdoch Childrens Research Institute).